The following is an entry in ClinVar:

ClinVar aggregate classification (germline): Uncertain significance. Review status: criteria provided, multiple submitters, no conflicts (2 of 4 stars). 3 submissions from 3 submitters: Uncertain significance (3). Last evaluated 2025-02-11.

Conditions:
Hereditary cancer-predisposing syndrome. Also called: Tumor predisposition; Neoplastic Syndromes, Hereditary; Hereditary Cancer Syndrome; Hereditary neoplastic syndrome. Identifiers: Orphanet 140162, MedGen C0027672, MeSH D009386, MONDO:0015356.
POLD1-related polyposis and colorectal cancer syndrome (CRCS10). Also called: Colorectal cancer 10; COLORECTAL CANCER, SUSCEPTIBILITY TO, ON CHROMOSOME 19q; Colorectal cancer, susceptibility to, 10. Identifiers: Orphanet 220460, MedGen C2675481, MONDO:0012953, OMIM 612591.

Submissions (3):

Labcorp Genetics (formerly Invitae), Labcorp
Classification: Uncertain significance for POLD1-related polyposis and colorectal cancer syndrome. Last evaluated: 2025-02-11. Review status: criteria provided, single submitter. Criteria: Invitae Variant Classification Sherloc (09022015). Collection method: clinical testing. Allele origin: germline.
Comment: This sequence change replaces tryptophan, which is neutral and slightly polar, with leucine, which is neutral and non-polar, at codon 781 of the POLD1 protein (p.Trp781Leu). This variant is present in population databases (no rsID available, gnomAD 0.0009%). This variant has not been reported in the literature in individuals affected with POLD1-related conditions. ClinVar contains an entry for this variant (Variation ID: 537049). Invitae Evidence Modeling of protein sequence and biophysical properties (such as structural, functional, and spatial information, amino acid conservation, physicochemical variation, residue mobility, and thermodynamic stability) indicates that this missense variant is not expected to disrupt POLD1 protein function with a negative predictive value of 80%. In summary, the available evidence is currently insufficient to determine the role of this variant in disease. Therefore, it has been classified as a Variant of Uncertain Significance.

Ambry Genetics
Classification: Uncertain significance for Hereditary cancer-predisposing syndrome. Last evaluated: 2024-12-24. Review status: criteria provided, single submitter. Criteria: Ambry Variant Classification Scheme 2023. Collection method: clinical testing. Allele origin: germline.
Comment: The p.W781L variant (also known as c.2342G>T), located in coding exon 18 of the POLD1 gene, results from a G to T substitution at nucleotide position 2342. The tryptophan at codon 781 is replaced by leucine, an amino acid with similar properties. This amino acid position is highly conserved in available vertebrate species. In addition, this alteration is predicted to be tolerated by in silico analysis. Based on the available evidence, the clinical significance of this variant remains unclear.

GeneDx
Classification: Uncertain significance. Last evaluated: 2022-06-21. Review status: criteria provided, single submitter. Criteria: GeneDx Variant Classification Process June 2021. Collection method: clinical testing. Allele origin: germline. Affected: yes.
Comment: Not observed at significant frequency in large population cohorts (gnomAD); In silico analysis supports that this missense variant does not alter protein structure/function; Has not been previously published as pathogenic or benign to our knowledge; This variant is associated with the following publications: (PMID: 20951805)

NM_002691.4(POLD1):c.2342G>T (p.Trp781Leu)

Gene: POLD1 (DNA polymerase delta 1, catalytic subunit; plus strand). Cytogenetic location: 19q13.33.
Variant type: single nucleotide variant.
Coding change: c.2342G>T on transcript NM_002691.4 (MANE Select); coding-DNA position 2342, G replaced by T.
Protein change: p.Trp781Leu; replaces tryptophan 781 with leucine.
Molecular consequence: missense variant. On other transcripts: non-coding transcript variant (1).
Genome position (GRCh38, 1-based): chr19:50,413,833, G>T. VCF-style: chr19-50413833-G-T. GRCh37 (hg19) VCF-style: chr19-50917090-G-T.
Other names: c.2342G>T, p.Trp781Leu (NM_001256849.1); c.2420G>T, p.Trp807Leu (NM_001308632.1); c.2342G>T (NM_002691.2); short protein forms W781L, W807L.
Identifiers: ClinVar variation 537049 (VCV000537049.13), dbSNP rs1434951609, ClinGen allele CA406984253.